The following is an entry in ClinVar:

ClinVar aggregate classification (germline): Uncertain significance (1 of 4 stars; one submission).

Submission:

Labcorp Genetics (formerly Invitae), Labcorp
Classification: Uncertain significance. Last evaluated: 2022-08-16. Review status: criteria provided, single submitter. Criteria: Invitae Variant Classification Sherloc (09022015). Collection method: clinical testing. Allele origin: germline.
Comment: In summary, the available evidence is currently insufficient to determine the role of this variant in disease. Therefore, it has been classified as a Variant of Uncertain Significance. Algorithms developed to predict the effect of missense changes on protein structure and function are either unavailable or do not agree on the potential impact of this missense change (SIFT: "Deleterious"; PolyPhen-2: "Probably Damaging"; Align-GVGD: "Class C0"). ClinVar contains an entry for this variant (Variation ID: 1001172). This variant has not been reported in the literature in individuals affected with KIAA1549-related conditions. This variant is not present in population databases (gnomAD no frequency). This sequence change replaces isoleucine, which is neutral and non-polar, with methionine, which is neutral and non-polar, at codon 1465 of the KIAA1549 protein (p.Ile1465Met).

NM_001164665.2(KIAA1549):c.4395C>G (p.Ile1465Met)

Gene: KIAA1549 (KIAA1549; minus strand). Cytogenetic location: 7q34.
Variant type: single nucleotide variant.
Coding change: c.4395C>G on transcript NM_001164665.2 (MANE Select); coding-DNA position 4395, C replaced by G.
Protein change: p.Ile1465Met; replaces isoleucine 1465 with methionine.
Molecular consequence: missense variant.
Genome position (GRCh38, 1-based): chr7:138,871,313, G>C on the plus strand (C>G on the coding strand, the complement: KIAA1549 is on the minus strand). VCF-style: chr7-138871313-G-C. GRCh37 (hg19) VCF-style: chr7-138556059-G-C.
Other names: c.4395C>G, p.Ile1465Met (NM_020910.3); short protein forms I1465M.
Identifiers: ClinVar variation 1001172 (VCV001001172.8), dbSNP rs1810930151, ClinGen allele CA369375057.